The following is an entry in ClinVar:

NM_001283009.2(RTEL1):c.1009G>A (p.Asp337Asn)

Genes: RTEL1 (regulator of telomere elongation helicase 1; plus strand), RTEL1-TNFRSF6B (RTEL1-TNFRSF6B readthrough (NMD candidate); plus strand). Cytogenetic location: 20q13.33.
Variant type: single nucleotide variant.
Coding change: c.1009G>A on transcript NM_001283009.2 (MANE Select); coding-DNA position 1009, G replaced by A.
Protein change: p.Asp337Asn; replaces aspartic acid 337 with asparagine.
Molecular consequence: missense variant. On other transcripts: non-coding transcript variant (1).
Genome position (GRCh38, 1-based): chr20:63,678,318, G>A. VCF-style: chr20-63678318-G-A. GRCh37 (hg19) VCF-style: chr20-62309671-G-A.
Other names: c.340G>A, p.Asp114Asn (NM_001283010.1); c.1009G>A, p.Asp337Asn (NM_016434.4); c.1081G>A, p.Asp361Asn (NM_032957.5); short protein forms D361N, D114N, D337N.
Identifiers: ClinVar variation 4157706 (VCV004157706.1).
Genomic context (GRCh38, chr20:63,678,318, plus strand): 5'-CGACCCACAGTGATCCTGCTGCGCCTGGAGGGGGCCATCGATGCTGTTGAGCTGCCTGGA[G>A]ACGACAGCGGTGTCACCAAGCCAGGGAGGTGAGAGGCGGGGAGCCAGCCCCTTCACTGCA-3'
Protein context (NP_001269938.1, residues 327-347): GAIDAVELPG[Asp337Asn]DSGVTKPGSY

ClinVar aggregate classification (germline): Uncertain significance (1 of 4 stars; one submission).

Conditions:
Inborn genetic diseases. Identifiers: MedGen C0950123, MeSH D030342.

Submission:

Ambry Genetics
Classification: Uncertain significance for Inborn genetic diseases. Last evaluated: 2025-08-29. Review status: criteria provided, single submitter. Criteria: Ambry Variant Classification Scheme 2023. Collection method: clinical testing. Allele origin: germline.
Comment: The p.D337N variant (also known as c.1009G>A), located in coding exon 11 of the RTEL1 gene, results from a G to A substitution at nucleotide position 1009. The aspartic acid at codon 337 is replaced by asparagine, an amino acid with highly similar properties. This amino acid position is conserved. In addition, this alteration is predicted to be tolerated by in silico analysis. Based on the available evidence, the clinical significance of this variant remains unclear.